The following is an entry in ClinVar:

ClinVar aggregate classification (germline): Uncertain significance. Review status: criteria provided, multiple submitters, no conflicts (2 of 4 stars). 3 submissions from 3 submitters: Uncertain significance (3). Last evaluated 2024-03-31.

Conditions:
Infantile liver failure syndrome 3. Identifiers: MedGen C5231437, MONDO:0032844, OMIM 618641.

Allele frequency attached by ClinVar (database versions not stated): gnomAD exomes below 0.00001; gnomAD 0.00001; TOPMed 0.00002.
gnomAD v4.1: 4 of 1,614,014 alleles (0.00025%); highest among the groups gnomAD compares: African/African-American, 0.004%; no homozygotes.

Submissions (3):

Ambry Genetics
Classification: Uncertain significance. Last evaluated: 2024-03-31. Review status: criteria provided, single submitter. Criteria: Ambry Variant Classification Scheme 2023. Collection method: clinical testing. Allele origin: germline.
Comment: The p.C537R variant (also known as c.1609T>C), located in coding exon 11 of the RINT1 gene, results from a T to C substitution at nucleotide position 1609. The cysteine at codon 537 is replaced by arginine, an amino acid with highly dissimilar properties. This amino acid position is conserved. In addition, the in silico prediction for this alteration is inconclusive. Since supporting evidence is limited at this time, the clinical significance of this alteration remains unclear.

Fulgent Genetics
Classification: Uncertain significance for Infantile liver failure syndrome 3. Last evaluated: 2024-02-16. Review status: criteria provided, single submitter. Criteria: ACMG Guidelines, 2015. Collection method: clinical testing. Allele origin: germline.

Labcorp Genetics (formerly Invitae), Labcorp
Classification: Uncertain significance. Last evaluated: 2019-10-30. Review status: criteria provided, single submitter. Criteria: Invitae Variant Classification Sherloc (09022015). Collection method: clinical testing. Allele origin: germline.
Comment: This sequence change replaces cysteine with arginine at codon 537 of the RINT1 protein (p.Cys537Arg). The cysteine residue is highly conserved and there is a large physicochemical difference between cysteine and arginine. This variant is not present in population databases (ExAC no frequency) and has not been reported in the literature in individuals with a RINT1-related disease. Algorithms developed to predict the effect of missense changes on protein structure and function do not agree on the potential impact of this missense change (SIFT: "Deleterious"; PolyPhen-2: "Probably Damaging"; Align-GVGD: "Class C0"). In summary, this variant is a novel missense change with uncertain impact on protein function. It has been classified as a Variant of Uncertain Significance.

NM_021930.6(RINT1):c.1609T>C (p.Cys537Arg)

Gene: RINT1 (RAD50 interactor 1; plus strand). Cytogenetic location: 7q22.3.
Variant type: single nucleotide variant.
Coding change: c.1609T>C on transcript NM_021930.6 (MANE Select); coding-DNA position 1609, T replaced by C.
Protein change: p.Cys537Arg; replaces cysteine 537 with arginine.
Molecular consequence: missense variant.
Genome position (GRCh38, 1-based): chr7:105,555,165, T>C. VCF-style: chr7-105555165-T-C. GRCh37 (hg19) VCF-style: chr7-105195612-T-C.
Other names: c.1375T>C, p.Cys459Arg (NM_001346599.2); c.586T>C, p.Cys196Arg (NM_001346600.2, NM_001346603.2); c.685T>C, p.Cys229Arg (NM_001346601.2); short protein forms C537R, C196R, C229R, C459R.
Identifiers: ClinVar variation 410803 (VCV000410803.15), dbSNP rs1060503049, ClinGen allele CA16612059.